The following is an entry in ClinVar:

NM_001001563.5(TIMM50):c.125G>A (p.Ser42Asn)

Gene: TIMM50 (translocase of inner mitochondrial membrane 50; plus strand). Cytogenetic location: 19q13.2.
Variant type: single nucleotide variant.
Coding change: c.125G>A on transcript NM_001001563.5 (MANE Select); coding-DNA position 125, G replaced by A.
Protein change: p.Ser42Asn; replaces serine 42 with asparagine.
Molecular consequence: missense variant. On other transcripts: 5 prime UTR variant (1).
Genome position (GRCh38, 1-based): chr19:39,481,899, G>A. VCF-style: chr19-39481899-G-A. GRCh37 (hg19) VCF-style: chr19-39972539-G-A.
Other names: c.-156G>A (NM_001329559.2); short protein forms S42N.
Identifiers: ClinVar variation 1941116 (VCV001941116.3), dbSNP rs751674800, ClinGen allele CA9431681.

ClinVar aggregate classification (germline): Uncertain significance (1 of 4 stars; one submission).

Allele frequency attached by ClinVar (database versions not stated): ExAC 0.00001; TOPMed 0.00002.
gnomAD v4.1: 6 of 1,613,442 alleles (0.00037%); highest among the groups gnomAD compares: Admixed American, 0.01%; no homozygotes.

Submission:

Labcorp Genetics (formerly Invitae), Labcorp
Classification: Uncertain significance. Last evaluated: 2023-12-21. Review status: criteria provided, single submitter. Criteria: Invitae Variant Classification Sherloc (09022015). Collection method: clinical testing. Allele origin: germline.
Comment: This sequence change replaces serine, which is neutral and polar, with asparagine, which is neutral and polar, at codon 145 of the TIMM50 protein (p.Ser145Asn). This variant is present in population databases (rs751674800, gnomAD 0.01%). This variant has not been reported in the literature in individuals affected with TIMM50-related conditions. ClinVar contains an entry for this variant (Variation ID: 1941116). Advanced modeling of protein sequence and biophysical properties (such as structural, functional, and spatial information, amino acid conservation, physicochemical variation, residue mobility, and thermodynamic stability) performed at Invitae indicates that this missense variant is not expected to disrupt TIMM50 protein function with a negative predictive value of 80%. In summary, the available evidence is currently insufficient to determine the role of this variant in disease. Therefore, it has been classified as a Variant of Uncertain Significance.